The following is an entry in ClinVar:

NM_000295.5(SERPINA1):c.*1331G>A

Gene: SERPINA1 (serpin family A member 1; minus strand). Cytogenetic location: 14q32.13.
Variant type: single nucleotide variant.
Coding change: c.*1331G>A on transcript NM_000295.5 (MANE Select); 1331 bases downstream of the stop codon, G replaced by A.
Molecular consequence: 3 prime UTR variant.
Genome position (GRCh38, 1-based): chr14:94,377,118, C>T on the plus strand (G>A on the coding strand, the complement: SERPINA1 is on the minus strand). VCF-style: chr14-94377118-C-T. GRCh37 (hg19) VCF-style: chr14-94843455-C-T.
Other names: PI KALSHEKER-POLLER; G-A, 3-PRIME UTR ENHANCER; c.*1331G>A (NM_001127705.2, NM_001127706.2, NM_001127707.2 and 7 more transcripts).
Identifiers: ClinVar variation 314999 (VCV000314999.17), dbSNP rs11568814, ClinGen allele CA10641343.

ClinVar aggregate classification (germline): Benign/Likely benign. Review status: criteria provided, multiple submitters, no conflicts (2 of 4 stars). 4 submissions from 4 submitters: Benign (1); Likely benign (2). 1 of the submissions does not count toward it. Last evaluated 2025-12-08.

Conditions:
Alpha-1-antitrypsin deficiency (A1ATD). Also called: Alpha1-Antitrypsin Deficiency; AAT deficiency; A1AT deficiency. Identifiers: Orphanet 60, MedGen C0221757, MONDO:0013282, OMIM 613490.
PI KALSHEKER-POLLER.

Allele frequency attached by ClinVar (database versions not stated): 1000 Genomes Project 30x 0.07245; 1000 Genomes Project 0.07248; gnomAD 0.07789; TOPMed 0.08679.

Submissions (4):

Labcorp Genetics (formerly Invitae), Labcorp
Classification: Benign for Alpha-1-antitrypsin deficiency. Last evaluated: 2025-12-08. Review status: criteria provided, single submitter. Criteria: Invitae Variant Classification Sherloc (09022015). Collection method: clinical testing. Allele origin: germline.

Illumina Laboratory Services, Illumina
Classification: Likely benign for Alpha-1-antitrypsin deficiency. Last evaluated: 2018-03-06. Review status: criteria provided, single submitter. Criteria: ICSL Variant Classification Criteria 13 December 2019. Collection method: clinical testing. Allele origin: germline.
Comment: This variant was observed in the ICSL laboratory as part of a predisposition screen in an ostensibly healthy population. It had not been previously curated by ICSL or reported in the Human Gene Mutation Database (HGMD: prior to June 1st, 2018), and was therefore a candidate for classification through an automated scoring system. Utilizing variant allele frequency, disease prevalence and penetrance estimates, and inheritance mode, an automated score was calculated to assess if this variant is too frequent to cause the disease. Based on the score and internal cut-off values, a variant classified as likely benign is not then subjected to further curation. The score for this variant resulted in a classification of likely benign for this disease.

Breakthrough Genomics
Classification: Likely benign. Review status: criteria provided, single submitter. Criteria: ACMG Guidelines, 2015. Collection method: not provided. Allele origin: germline. Inheritance: Autosomal recessive inheritance. Affected: yes.

OMIM
Classification: other for PI KALSHEKER-POLLER. Last evaluated: 2016-07-20. Review status: no assertion criteria provided. Collection method: literature only. Allele origin: germline. Not counted in ClinVar's aggregate classification.

Literature cited by the submitters: PubMed 1552539 (cited by OMIM); PubMed 1969347 (cited by OMIM); PubMed 8499914 (cited by OMIM).